The following is an entry in ClinVar:

NM_001034853.2(RPGR):c.2961_2968dup (p.Gly990fs)

Gene: RPGR (retinitis pigmentosa GTPase regulator; minus strand). Cytogenetic location: Xp11.4.
Variant type: Duplication.
Coding change: c.2961_2968dup on transcript NM_001034853.2 (MANE Select); coding-DNA positions 2961 to 2968, 8 bases duplicated (AGGGGAGG; older notation c.2961_2968dupAGGGGAGG).
Protein change: p.Gly990fs; shifts the reading frame from glycine 990.
Molecular consequence: frameshift variant. On other transcripts: intron variant (8).
Genome position (GRCh38, 1-based): chrX:38,286,031-38,286,038, CCTCCCCT duplicated on the plus strand (AGGGGAGG on the coding strand, the reverse complement: RPGR is on the minus strand). VCF-style (leftmost placement, unchanged base first): chrX-38286030-C-CCCTCCCCT. GRCh37 (hg19) VCF-style: chrX-38145283-C-CCCTCCCCT.
Other names: c.1569+4921_1569+4928dup (NM_001367249.1, NM_001367250.1); c.1902+1056_1902+1063dup (NM_001367245.1); c.1386+4921_1386+4928dup (NM_001367251.1); c.1719+1056_1719+1063dup (NM_001367246.1); c.1572+4921_1572+4928dup (NM_001367247.1); c.1905+1056_1905+1063dup (NM_000328.3); c.1602+4921_1602+4928dup (NM_001367248.1); short protein forms G990fs.
Identifiers: ClinVar variation 3775492 (VCV003775492.1).
Genomic context (GRCh38, chrX:38,286,030, plus strand): 5'-TCCCCTTCTTCCTCTCCCTCTCCTTCTTCCTCCCCTTCTTCTTCCCCTTCCTCCTCTTCC[C>CCCTCCCCT]CCTCCCCTTCTCCTTCCTCCTCTTCCCCCTCCCCTTCTCCTTCCTCCCCTTCCCCTTCTC-3'

ClinVar aggregate classification (germline): Likely pathogenic (1 of 4 stars; one submission).

Conditions:
Retinitis pigmentosa 3. Also called: CHOROIDORETINAL DEGENERATION WITH RETINAL REFLEX IN HETEROZYGOUS WOMEN. Identifiers: Orphanet 791, MedGen C1845667, MONDO:0010227, OMIM 300029.

Submission:

3billion
Classification: Likely pathogenic for Retinitis pigmentosa 3. Last evaluated: 2024-01-04. Review status: criteria provided, single submitter. Criteria: ACMG Guidelines, 2015. Collection method: clinical testing. Allele origin: germline. Affected: yes.
Comment: The variant is not observed in the gnomAD v2.1.1 dataset. Predicted Consequence/Location: Frameshift: predicted to result in a loss or disruption of normal protein function through protein truncation. The predicted truncated protein may be shortened by more than 10%. Therefore, this variant is classified as Likely pathogenic according to the recommendation of ACMG/AMP guideline.